The following is an entry in ClinVar:

NM_001958.5(EEF1A2):c.532A>G (p.Ile178Val)

Genes: EEF1A2 (eukaryotic translation elongation factor 1 alpha 2; minus strand), LOC132090595 (Neanderthal introgressed variant-containing enhancer experimental_60987; plus strand). Cytogenetic location: 20q13.33.
Variant type: single nucleotide variant.
Coding change: c.532A>G on transcript NM_001958.5 (MANE Select); coding-DNA position 532, A replaced by G.
Protein change: p.Ile178Val; replaces isoleucine 178 with valine.
Molecular consequence: missense variant.
Genome position (GRCh38, 1-based): chr20:63,494,894, T>C on the plus strand (A>G on the coding strand, the complement: EEF1A2 is on the minus strand). VCF-style: chr20-63494894-T-C. GRCh37 (hg19) VCF-style: chr20-62126247-T-C.
Other names: short protein forms I178V.
Identifiers: ClinVar variation 2992223 (VCV002992223.3), dbSNP rs765056369, ClinGen allele CA9959082.

ClinVar aggregate classification (germline): Uncertain significance (1 of 4 stars; one submission).

Conditions:
Developmental and epileptic encephalopathy, 33 (DEE33). Also called: Epileptic encephalopathy, early infantile, 33. Identifiers: Orphanet 442835, MedGen C4225337, MONDO:0014625, OMIM 616409.

Allele frequency attached by ClinVar (database versions not stated): gnomAD exomes below 0.00001; ExAC 0.00001.
gnomAD v4.1: 3 of 1,612,768 alleles (0.00019%); highest among the groups gnomAD compares: East Asian, 0.0022%; no homozygotes.

Submission:

Labcorp Genetics (formerly Invitae), Labcorp
Classification: Uncertain significance for Developmental and epileptic encephalopathy, 33. Last evaluated: 2024-09-27. Review status: criteria provided, single submitter. Criteria: Invitae Variant Classification Sherloc (09022015). Collection method: clinical testing. Allele origin: germline.
Comment: This sequence change replaces isoleucine, which is neutral and non-polar, with valine, which is neutral and non-polar, at codon 178 of the EEF1A2 protein (p.Ile178Val). This variant is present in population databases (rs765056369, gnomAD 0.006%). This variant has not been reported in the literature in individuals affected with EEF1A2-related conditions. Invitae Evidence Modeling of protein sequence and biophysical properties (such as structural, functional, and spatial information, amino acid conservation, physicochemical variation, residue mobility, and thermodynamic stability) indicates that this missense variant is not expected to disrupt EEF1A2 protein function with a negative predictive value of 80%. In summary, the available evidence is currently insufficient to determine the role of this variant in disease. Therefore, it has been classified as a Variant of Uncertain Significance.